The following is an entry in ClinVar:

NM_003072.5(SMARCA4):c.1594-3T>C

Gene: SMARCA4 (SWI/SNF related BAF chromatin remodeling complex subunit ATPase 4; plus strand). Cytogenetic location: 19p13.2.
Variant type: single nucleotide variant.
Coding change: c.1594-3T>C on transcript NM_003072.5 (MANE Select); 3 bases into the intron before coding-DNA position 1594, T replaced by C.
Molecular consequence: intron variant.
Genome position (GRCh38, 1-based): chr19:10,996,210, T>C. VCF-style: chr19-10996210-T-C. GRCh37 (hg19) VCF-style: chr19-11106886-T-C.
Other names: c.1594-3T>C (NM_001128844.3, NM_001128849.3, NM_001128847.4 and 4 more transcripts).
Identifiers: ClinVar variation 819625 (VCV000819625.13), dbSNP rs1600081783, ClinGen allele CA915951655.

ClinVar aggregate classification (germline): Conflicting classifications of pathogenicity. Review status: criteria provided, conflicting classifications (1 of 4 stars). 3 submissions from 3 submitters: Uncertain significance (2); Likely benign (1). Last evaluated 2024-11-11.

Conditions:
Hereditary cancer-predisposing syndrome. Also called: Neoplastic Syndromes, Hereditary; Tumor predisposition; Hereditary Cancer Syndrome; Hereditary neoplastic syndrome. Identifiers: Orphanet 140162, MedGen C0027672, MeSH D009386, MONDO:0015356.
Intellectual disability, autosomal dominant 16 (CSS4). Also called: COFFIN-SIRIS SYNDROME 4. Identifiers: Orphanet 1465, MedGen C3553249, MONDO:0013821, OMIM 614609.
Rhabdoid tumor predisposition syndrome 2 (RTPS2). Identifiers: Orphanet 231108, Orphanet 69077, MedGen C2750074, MONDO:0013224, OMIM 613325.

Submissions (3):

Labcorp Genetics (formerly Invitae), Labcorp
Classification: Likely benign for Rhabdoid tumor predisposition syndrome 2. Last evaluated: 2024-11-11. Review status: criteria provided, single submitter. Criteria: Invitae Variant Classification Sherloc (09022015). Collection method: clinical testing. Allele origin: germline.

Ambry Genetics
Classification: Uncertain significance for Hereditary cancer-predisposing syndrome. Last evaluated: 2022-10-26. Review status: criteria provided, single submitter. Criteria: Ambry Variant Classification Scheme 2023. Collection method: clinical testing. Allele origin: germline.
Comment: The c.1594-3T>C intronic variant results from a T to C substitution 3 nucleotides before coding exon 9 in the SMARCA4 gene. In silico splice site analysis predicts that this alteration will not have any significant effect on splicing. RNA studies have demonstrated that this alteration does not result in abnormal splicing in the set of samples tested (Ambry internal data). This nucleotide position is poorly conserved in available vertebrate species. Since supporting evidence is limited at this time, the clinical significance of this alteration remains unclear.

Genome-Nilou Lab
Classification: Uncertain significance for Intellectual disability, autosomal dominant 16. Last evaluated: 2021-07-15. Review status: criteria provided, single submitter. Criteria: ACMG Guidelines, 2015. Collection method: clinical testing. Allele origin: germline. Affected: no.